The following is an entry in ClinVar:

ClinVar aggregate classification (germline): Uncertain significance (1 of 4 stars; one submission).

Conditions:
Cardiovascular phenotype. Identifiers: MedGen CN230736.

Submission:

Ambry Genetics
Classification: Uncertain significance for Cardiovascular phenotype. Last evaluated: 2022-03-03. Review status: criteria provided, single submitter. Criteria: Ambry Variant Classification Scheme 2023. Collection method: clinical testing. Allele origin: germline.
Comment: The p.A11G variant (also known as c.32C>G), located in coding exon 1 of the CBL gene, results from a C to G substitution at nucleotide position 32. The alanine at codon 11 is replaced by glycine, an amino acid with similar properties. This amino acid position is conserved. In addition, this alteration is predicted to be tolerated by in silico analysis. Since supporting evidence is limited at this time, the clinical significance of this alteration remains unclear.

NM_005188.4(CBL):c.32C>G (p.Ala11Gly)

Genes: CBL (Cbl proto-oncogene; plus strand), LOC130006895 (ATAC-STARR-seq lymphoblastoid silent region 3975; plus strand). Cytogenetic location: 11q23.3.
Variant type: single nucleotide variant.
Coding change: c.32C>G on transcript NM_005188.4 (MANE Select); coding-DNA position 32, C replaced by G.
Protein change: p.Ala11Gly; replaces alanine 11 with glycine.
Molecular consequence: missense variant.
Genome position (GRCh38, 1-based): chr11:119,206,449, C>G. VCF-style: chr11-119206449-C-G. GRCh37 (hg19) VCF-style: chr11-119077159-C-G.
Other names: short protein forms A11G.
Identifiers: ClinVar variation 1729948 (VCV001729948.2), dbSNP rs1302101624, ClinGen allele CA382975709.